The following is an entry in ClinVar:

NM_174936.4(PCSK9):c.412C>T (p.Pro138Ser)

Gene: PCSK9 (proprotein convertase subtilisin/kexin type 9; plus strand). Cytogenetic location: 1p32.3.
Variant type: single nucleotide variant.
Coding change: c.412C>T on transcript NM_174936.4 (MANE Select); coding-DNA position 412, C replaced by T.
Protein change: p.Pro138Ser; replaces proline 138 with serine.
Molecular consequence: missense variant.
Genome position (GRCh38, 1-based): chr1:55,046,535, C>T. VCF-style: chr1-55046535-C-T. GRCh37 (hg19) VCF-style: chr1-55512208-C-T.
Other names: short protein forms P138S.
Identifiers: ClinVar variation 568998 (VCV000568998.15), dbSNP rs780564433, ClinGen allele CA042095.

ClinVar aggregate classification (germline): Uncertain significance. Review status: criteria provided, multiple submitters, no conflicts (2 of 4 stars). 5 submissions from 5 submitters: Uncertain significance (5). Last evaluated 2025-06-23.

Conditions:
Familial hypercholesterolemia. Also called: Familial hypercholesterolemias; Familial hypercholesterolaemia. Identifiers: MedGen C0020445, MONDO:0005439.
Cardiovascular phenotype. Identifiers: MedGen CN230736.
Hypercholesterolemia, autosomal dominant, 3 (FHCL3). Also called: Familial Hypercholesterolemia, Autosomal Dominant, 3; PCSK9-Related Familial Hypercholesterolemia, Autosomal Dominant; Familial hypercholesterolemia 3. Identifiers: MedGen C1863551, MONDO:0011369, OMIM 603776.

Allele frequency attached by ClinVar (database versions not stated): gnomAD exomes below 0.00001 and 0.00001; ExAC 0.00001; TOPMed 0.00002.
gnomAD v4.1: 13 of 1,614,146 alleles (0.00081%); highest among the groups gnomAD compares: South Asian, 0.0011%; no homozygotes.

Submissions (5):

Ambry Genetics
Classification: Uncertain significance for Cardiovascular phenotype. Last evaluated: 2025-06-23. Review status: criteria provided, single submitter. Criteria: Ambry Variant Classification Scheme 2023. Collection method: clinical testing. Allele origin: germline.
Comment: The p.P138S variant (also known as c.412C>T), located in coding exon 3 of the PCSK9 gene, results from a C to T substitution at nucleotide position 412. The proline at codon 138 is replaced by serine, an amino acid with similar properties. This amino acid position is conserved. In addition, the in silico prediction for this alteration is inconclusive. Based on the available evidence, the clinical significance of this variant remains unclear.

All of Us Research Program, National Institutes of Health
Classification: Uncertain significance for Hypercholesterolemia, autosomal dominant, 3. Last evaluated: 2024-03-24. Review status: criteria provided, single submitter. Criteria: ACMG Guidelines, 2015. Collection method: clinical testing. Allele origin: germline. Inheritance: Autosomal dominant inheritance. Observed: 4 variant alleles, 4 heterozygotes.
Comment: This missense variant replaces proline with serine at codon 138 of the PCSK9 protein. Computational prediction suggests that this variant may not impact protein structure and function (internally defined REVEL score threshold <= 0.5, PMID: 27666373). To our knowledge, functional studies have not been reported for this variant. This variant has not been reported in individuals affected with familial hypercholesterolemia in the literature. This variant has been identified in 1/251488 chromosomes in the general population by the Genome Aggregation Database (gnomAD). The available evidence is insufficient to determine the role of this variant in disease conclusively. Therefore, this variant is classified as a Variant of Uncertain Significance.

This study involves interpretation of variants in research participants for the purpose of population health screening. Participant phenotype was not available at the time of variant classification. Additional details can be found in publication PMID: 35346344, PMCID: PMC8962531

Color Diagnostics, LLC DBA Color Health
Classification: Uncertain significance for Familial hypercholesterolemia. Last evaluated: 2024-03-06. Review status: criteria provided, single submitter. Criteria: ACMG Guidelines, 2015. Collection method: clinical testing. Allele origin: germline.
Comment: This missense variant replaces proline with serine at codon 138 of the PCSK9 protein. Computational prediction tools indicate that this variant has a neutral impact on protein structure and function. To our knowledge, functional studies have not been reported for this variant. This variant has not been reported in individuals affected with PCSK9-related disorders in the literature. This variant has been identified in 1/251488 chromosomes in the general population by the Genome Aggregation Database (gnomAD). The available evidence is insufficient to determine the role of this variant in disease conclusively. Therefore, this variant is classified as a Variant of Uncertain Significance.

Fulgent Genetics
Classification: Uncertain significance for Hypercholesterolemia, autosomal dominant, 3. Last evaluated: 2021-09-16. Review status: criteria provided, single submitter. Criteria: ACMG Guidelines, 2015. Collection method: clinical testing. Allele origin: unknown.

Labcorp Genetics (formerly Invitae), Labcorp
Classification: Uncertain significance for Hypercholesterolemia, autosomal dominant, 3. Last evaluated: 2021-08-27. Review status: criteria provided, single submitter. Criteria: Invitae Variant Classification Sherloc (09022015). Collection method: clinical testing. Allele origin: germline.
Comment: This sequence change replaces proline with serine at codon 138 of the PCSK9 protein (p.Pro138Ser). The proline residue is highly conserved and there is a moderate physicochemical difference between proline and serine. This variant is present in population databases (rs780564433, ExAC 0.001%). This variant has not been reported in the literature in individuals affected with PCSK9-related conditions. Algorithms developed to predict the effect of missense changes on protein structure and function (SIFT, PolyPhen-2, Align-GVGD) all suggest that this variant is likely to be disruptive. In summary, the available evidence is currently insufficient to determine the role of this variant in disease. Therefore, it has been classified as a Variant of Uncertain Significance.